The following is an entry in ClinVar:

NM_000369.5(TSHR):c.318-1G>A

Genes: TSHR (thyroid stimulating hormone receptor; plus strand), TSHR-AS1 (TSHR antisense RNA 1; minus strand). Cytogenetic location: 14q31.1.
Variant type: single nucleotide variant.
Coding change: c.318-1G>A on transcript NM_000369.5 (MANE Select); the canonical splice acceptor site of the intron before coding-DNA position 318, G replaced by A.
Molecular consequence: splice acceptor variant.
Genome position (GRCh38, 1-based): chr14:81,087,953, G>A. VCF-style: chr14-81087953-G-A. GRCh37 (hg19) VCF-style: chr14-81554297-G-A.
Other names: c.318-1G>A (NM_001142626.3, NM_001018036.3).
Identifiers: ClinVar variation 3008049 (VCV003008049.3), dbSNP rs1888412524, ClinGen allele CA390733524.

ClinVar aggregate classification (germline): Likely pathogenic (1 of 4 stars; one submission).

Allele frequency attached by ClinVar (database versions not stated): TOPMed below 0.00001; gnomAD 0.00001.
gnomAD v4.1: 1 of 1,610,546 alleles (0.000062%); highest among the groups gnomAD compares: Non-Finnish European, 0.000085%; no homozygotes.

Submission:

Labcorp Genetics (formerly Invitae), Labcorp
Classification: Likely pathogenic. Last evaluated: 2023-04-26. Review status: criteria provided, single submitter. Criteria: Invitae Variant Classification Sherloc (09022015). Collection method: clinical testing. Allele origin: germline.
Comment: Algorithms developed to predict the effect of sequence changes on RNA splicing suggest that this variant may disrupt the consensus splice site. In summary, the currently available evidence indicates that the variant is pathogenic, but additional data are needed to prove that conclusively. Therefore, this variant has been classified as Likely Pathogenic. This variant has not been reported in the literature in individuals affected with TSHR-related conditions. This variant is not present in population databases (gnomAD no frequency). This sequence change affects an acceptor splice site in intron 3 of the TSHR gene. It is expected to disrupt RNA splicing. Variants that disrupt the donor or acceptor splice site typically lead to a loss of protein function (PMID: 16199547), and loss-of-function variants in TSHR are known to be pathogenic (PMID: 8954020).

Literature cited by the submitters: PubMed 16199547; PubMed 8954020.